The following is an entry in ClinVar:

ClinVar aggregate classification (germline): Conflicting classifications of pathogenicity. Review status: criteria provided, conflicting classifications (1 of 4 stars). 4 submissions from 4 submitters: Uncertain significance (1); Benign (1); Likely benign (2). Last evaluated 2026-02-04.

Conditions:
ALG9 congenital disorder of glycosylation (CDG1L). Also called: CONGENITAL DISORDER OF GLYCOSYLATION, TYPE Il; CDG Il; ALG9-CDG. Identifiers: Orphanet 79328, MedGen C2931006, MONDO:0012117, OMIM 608776.
Cutis laxa with osteodystrophy (ARCL2A). Also called: CUTIS LAXA WITH CONGENITAL DISORDER OF GLYCOSYLATION; Debré-Type Cutis Laxa; Autosomal recessive cutis laxa type 2A; CUTIS LAXA, AUTOSOMAL RECESSIVE, TYPE IIA; CUTIS LAXA WITH BONE DYSTROPHY; CUTIS LAXA WITH GROWTH AND DEVELOPMENTAL DELAY. Identifiers: Orphanet 357058, MedGen C0268355, MONDO:0018163, OMIM 219200. Disease mechanism: loss of function.

Allele frequency attached by ClinVar (database versions not stated): gnomAD 0.00082 and 0.00085; ExAC 0.00087; gnomAD exomes 0.00088; TOPMed 0.00096; ESP Exome Variant Server 0.00108.
gnomAD v4.1: 2,218 of 1,614,140 alleles (0.14%); highest among the groups gnomAD compares: Middle Eastern, 0.4%; 4 homozygotes.

Submissions (4):

Labcorp Genetics (formerly Invitae), Labcorp
Classification: Benign for ALG9 congenital disorder of glycosylation. Last evaluated: 2026-02-04. Review status: criteria provided, single submitter. Criteria: Invitae Variant Classification Sherloc (09022015). Collection method: clinical testing. Allele origin: germline.

Blueprint Genetics
Classification: Likely benign. Last evaluated: 2024-11-25. Review status: criteria provided, single submitter. Criteria: ACMG Guidelines, 2015. Collection method: clinical testing. Allele origin: germline.

Illumina Laboratory Services, Illumina
Classification: Uncertain significance for Cutis laxa with osteodystrophy. Last evaluated: 2018-01-13. Review status: criteria provided, single submitter. Criteria: ICSL Variant Classification Criteria 13 December 2019. Collection method: clinical testing. Allele origin: germline.

GeneDx
Classification: Likely benign. Last evaluated: 2017-12-06. Review status: criteria provided, single submitter. Criteria: GeneDx Variant Classification (06012015). Collection method: clinical testing. Allele origin: germline. Affected: yes.
Comment: This variant is considered likely benign or benign based on one or more of the following criteria: it is a conservative change, it occurs at a poorly conserved position in the protein, it is predicted to be benign by multiple in silico algorithms, and/or has population frequency not consistent with disease.

NM_012463.4(ATP6V0A2):c.1189+12G>T

Gene: ATP6V0A2 (ATPase H+ transporting V0 subunit a2; plus strand). Cytogenetic location: 12q24.31.
Variant type: single nucleotide variant.
Coding change: c.1189+12G>T on transcript NM_012463.4 (MANE Select); 12 bases into the intron after coding-DNA position 1189, G replaced by T.
Molecular consequence: intron variant.
Genome position (GRCh38, 1-based): chr12:123,743,947, G>T. VCF-style: chr12-123743947-G-T. GRCh37 (hg19) VCF-style: chr12-124228494-G-T.
Identifiers: ClinVar variation 391189 (VCV000391189.13), dbSNP rs377235629, ClinGen allele CA6861863.